The following is an entry in ClinVar:

ClinVar aggregate classification (germline): Uncertain significance (1 of 4 stars; one submission).

Conditions:
Dyskeratosis congenita, autosomal recessive 5 (DKCB5). Identifiers: MedGen C3554656, MONDO:0014076, OMIM 615190.
Pulmonary fibrosis and/or bone marrow failure, Telomere-related, 3. Also called: PULMONARY FIBROSIS AND/OR BONE MARROW FAILURE SYNDROME, TELOMERE-RELATED, 3. Identifiers: Orphanet 2032, MedGen C4225346, MONDO:0014613, OMIM 616373.

Submission:

Labcorp Genetics (formerly Invitae), Labcorp
Classification: Uncertain significance for Dyskeratosis congenita, autosomal recessive 5; Pulmonary fibrosis and/or bone marrow failure, Telomere-related, 3. Last evaluated: 2025-09-25. Review status: criteria provided, single submitter. Criteria: Invitae Variant Classification Sherloc (09022015). Collection method: clinical testing. Allele origin: germline.
Comment: This sequence change replaces glutamic acid, which is acidic and polar, with glycine, which is neutral and non-polar, at codon 1298 of the RTEL1 protein (p.Glu1298Gly). This variant is not present in population databases (gnomAD no frequency). This variant has not been reported in the literature in individuals affected with RTEL1-related conditions. An algorithm developed to predict the effect of missense changes on protein structure and function (PolyPhen-2) suggests that this variant is likely to be tolerated. In summary, the available evidence is currently insufficient to determine the role of this variant in disease. Therefore, it has been classified as a Variant of Uncertain Significance.

NM_001283009.2(RTEL1):c.3893A>G (p.Glu1298Gly)

Genes: RTEL1 (regulator of telomere elongation helicase 1; plus strand), RTEL1-TNFRSF6B (RTEL1-TNFRSF6B readthrough (NMD candidate); plus strand). Cytogenetic location: 20q13.33.
Variant type: single nucleotide variant.
Coding change: c.3893A>G on transcript NM_001283009.2 (MANE Select); coding-DNA position 3893, A replaced by G.
Protein change: p.Glu1298Gly; replaces glutamic acid 1298 with glycine.
Molecular consequence: missense variant. On other transcripts: non-coding transcript variant (1), 3 prime UTR variant (3).
Genome position (GRCh38, 1-based): chr20:63,695,848, A>G. VCF-style: chr20-63695848-A-G. GRCh37 (hg19) VCF-style: chr20-62327201-A-G.
Other names: c.*63A>G (NM_001283010.1, NM_016434.4, NM_032957.5); short protein forms E1298G.
Identifiers: ClinVar variation 4790032 (VCV004790032.1).